The following is an entry in ClinVar:

ClinVar aggregate classification (germline): Uncertain significance (1 of 4 stars; one submission).

Submission:

GeneDx
Classification: Uncertain significance. Last evaluated: 2019-12-18. Review status: criteria provided, single submitter. Criteria: GeneDx Variant Classification Process June 2021. Collection method: clinical testing. Allele origin: germline. Affected: yes.
Comment: Not observed in large population cohorts (Lek et al., 2016); In silico analysis, which includes protein predictors and evolutionary conservation, supports a deleterious effect; Has not been previously published as pathogenic or benign to our knowledge

NM_178335.3(CCDC50):c.134A>G (p.Asn45Ser)

Gene: CCDC50 (coiled-coil domain containing 50; plus strand). Cytogenetic location: 3q28.
Variant type: single nucleotide variant.
Coding change: c.134A>G on transcript NM_178335.3 (MANE Select); coding-DNA position 134, A replaced by G.
Protein change: p.Asn45Ser; replaces asparagine 45 with serine.
Molecular consequence: missense variant.
Genome position (GRCh38, 1-based): chr3:191,358,019, A>G. VCF-style: chr3-191358019-A-G. GRCh37 (hg19) VCF-style: chr3-191075808-A-G.
Other names: c.134A>G, p.Asn45Ser (NM_174908.4); short protein forms N45S.
Identifiers: ClinVar variation 1311289 (VCV001311289.2), dbSNP rs1712350138, ClinGen allele CA355761088.
Genomic context (GRCh38, chr3:191,358,019, plus strand): 5'-AGACATTATTCATTCCTGTCCTCAATCTTTTTGTTCCAGTTGAGCATCATTTGGCATCGA[A>G]CGTTCAGCGGAACCGTTTGGTCCAGCATGATCTCCAGGTGGCTAAGCAGCTCCAAGAGGA-3'
Protein context (NP_848018.1, residues 35-55): EQEIEHHLAS[Asn45Ser]VQRNRLVQHD